The following is an entry in ClinVar:

ClinVar aggregate classification (germline): Pathogenic (1 of 4 stars; one submission).

Submission:

GeneDx
Classification: Pathogenic. Last evaluated: 2016-09-06. Review status: criteria provided, single submitter. Criteria: GeneDx Variant Classification (06012015). Collection method: clinical testing. Allele origin: germline. Affected: yes.
Comment: The c.2782_2783delCTins13 variant in the PHKA2 gene has not been reported previously as a pathogenic variant nor as a benign variant, to our knowledge. The c.2782_2783delCTins13 variant causes a frameshift starting with codon Leucine 928, changes this amino acid to a Methionine residue, and creates a premature Stop codon at position 9 of the new reading frame, denoted p.Leu928MetfsX9. This variant is predicted to cause loss of normal protein function either through protein truncation or nonsense-mediated mRNA decay. The c.2782_2783delCTins13 variant was not observed in approximately 6500 individuals of European and African American ancestry in the NHLBI Exome Sequencing Project, indicating it is not a common benign variant in these populations. We interpret c.2782_2783delCTins13 as a pathogenic variant.

NM_000292.3(PHKA2):c.2782_2783delinsATGGCACGGAGCC (p.Leu928fs)

Gene: PHKA2 (phosphorylase kinase regulatory subunit alpha 2; minus strand). Cytogenetic location: Xp22.13.
Variant type: Indel.
Coding change: c.2782_2783delinsATGGCACGGAGCC on transcript NM_000292.3 (MANE Select); coding-DNA positions 2782 to 2783, CT replaced by ATGGCACGGAGCC.
Protein change: p.Leu928fs; shifts the reading frame from leucine 928.
Molecular consequence: frameshift variant.
Genome position (GRCh38, 1-based): chrX:18,906,518-18,906,519, AG replaced by GGCTCCGTGCCAT on the plus strand (CT replaced by ATGGCACGGAGCC on the coding strand, the reverse complement: PHKA2 is on the minus strand). VCF-style: chrX-18906518-AG-GGCTCCGTGCCAT. GRCh37 (hg19) VCF-style: chrX-18924636-AG-GGCTCCGTGCCAT.
Other names: short protein forms L928fs.
Identifiers: ClinVar variation 280852 (VCV000280852.1), dbSNP rs886041985, ClinGen allele CA10603712.